The following is an entry in ClinVar:

NM_001130438.3(SPTAN1):c.1303T>G (p.Ser435Ala)

Gene: SPTAN1 (spectrin alpha, non-erythrocytic 1; plus strand). Cytogenetic location: 9q34.11.
Variant type: single nucleotide variant.
Coding change: c.1303T>G on transcript NM_001130438.3 (MANE Select); coding-DNA position 1303, T replaced by G.
Protein change: p.Ser435Ala; replaces serine 435 with alanine.
Molecular consequence: missense variant.
Genome position (GRCh38, 1-based): chr9:128,579,718, T>G. VCF-style: chr9-128579718-T-G. GRCh37 (hg19) VCF-style: chr9-131341997-T-G.
Other names: p.S435A:TCA>GCA; p.Ser435Ala; c.1303T>G, p.Ser435Ala (NM_001195532.2, NM_001363759.2, NM_001363765.2 and 1 more transcripts); short protein forms S435A.
Identifiers: ClinVar variation 159993 (VCV000159993.54), dbSNP rs144787939, ClinGen allele CA318564.

ClinVar aggregate classification (germline): Benign/Likely benign. Review status: criteria provided, multiple submitters, no conflicts (2 of 4 stars). 16 submissions from 16 submitters: Benign (5); Likely benign (6). 5 of the submissions do not count toward it. Last evaluated 2026-09-01.

Conditions:
Self-limited epilepsy with centrotemporal spikes. Also called: Rolandic epilepsy; Childhood epilepsy with centrotemporal spikes. Identifiers: Orphanet 1945, MedGen C0376532, MONDO:0007295.
Early-infantile DEE. Also called: Early infantile epileptic encephalopathy; Ohtahara syndrome; Early infantile epileptic encephalopathy with suppression bursts. Identifiers: Orphanet 1934, MedGen C0393706, MONDO:0800491.
SPTAN1-related disorder. Also called: SPTAN1-related condition; SPTAN1-related disorders.
Inborn genetic diseases. Identifiers: MedGen C0950123, MeSH D030342.
Developmental and epileptic encephalopathy, 5 (DEE5). Identifiers: Orphanet 3451, MedGen C3150731, MONDO:0013277, OMIM 613477.

Allele frequency attached by ClinVar (database versions not stated): TOPMed 0.00180; ESP Exome Variant Server 0.00200; gnomAD 0.00212 and 0.00217; gnomAD exomes 0.00224 and 0.00306; ExAC 0.00269.
gnomAD v4.1: 4,713 of 1,614,010 alleles (0.29%); highest among the groups gnomAD compares: Non-Finnish European, 0.38%; 14 homozygotes.

Submissions (16):

CeGaT Center for Human Genetics Tuebingen
Classification: Benign. Last evaluated: 2026-09-01. Review status: criteria provided, single submitter. Criteria: CeGaT Center For Human Genetics Tuebingen Variant Classification Criteria Version 2. Collection method: clinical testing. Allele origin: germline. Affected: yes. Observed: 32 variant alleles.
Comment: SPTAN1: BS1, BS2

Women's Health and Genetics/Laboratory Corporation of America, LabCorp
Classification: Likely benign. Last evaluated: 2026-06-17. Review status: criteria provided, single submitter. Criteria: LabCorp Variant Classification Summary - May 2015. Collection method: clinical testing. Allele origin: germline.
Comment: Variant summary: SPTAN1 c.1303T>G (p.Ser435Ala) results in a conservative amino acid change in the encoded protein sequence. Algorithms developed to predict the effect of missense changes on protein structure and function are either unavailable or do not agree on the potential impact of this missense change. The variant allele was found at a frequency of 0.0022 in 251342 control chromosomes, predominantly at a frequency of 0.0044 within the Non-Finnish European subpopulation in the gnomAD database. The observed variant frequency within Non-Finnish European control individuals in the gnomAD database exceeds the estimated maximal expected allele frequency for disease-causing variants in SPTAN1. To our knowledge, no occurrence of c.1303T>G in individuals affected with SPTAN1-related conditions and no experimental evidence demonstrating its impact on protein function have been reported. ClinVar contains an entry for this variant (Variation ID: 159993). Based on the evidence outlined above, the variant was classified as likely benign.

Labcorp Genetics (formerly Invitae), Labcorp
Classification: Benign for Early-infantile DEE. Last evaluated: 2026-01-26. Review status: criteria provided, single submitter. Criteria: Invitae Variant Classification Sherloc (09022015). Collection method: clinical testing. Allele origin: germline.

Blueprint Genetics
Classification: Likely benign. Last evaluated: 2024-11-26. Review status: criteria provided, single submitter. Criteria: ACMG Guidelines, 2015. Collection method: clinical testing. Allele origin: germline.

Mayo Clinic Laboratories, Mayo Clinic
Classification: Benign. Last evaluated: 2024-05-31. Review status: criteria provided, single submitter. Criteria: ACMG Guidelines, 2015. Collection method: clinical testing. Allele origin: germline. Observed: 6 variant alleles.
Comment: BS1, BS2, BP4

Fulgent Genetics
Classification: Likely benign for Developmental and epileptic encephalopathy, 5. Last evaluated: 2022-01-06. Review status: criteria provided, single submitter. Criteria: ACMG Guidelines, 2015. Collection method: clinical testing. Allele origin: unknown.

Genome-Nilou Lab
Classification: Benign for Developmental and epileptic encephalopathy, 5. Last evaluated: 2021-07-15. Review status: criteria provided, single submitter. Criteria: ACMG Guidelines, 2015. Collection method: clinical testing. Allele origin: germline. Affected: no.

Ambry Genetics
Classification: Likely benign for Inborn genetic diseases. Last evaluated: 2019-04-05. Review status: criteria provided, single submitter. Criteria: Ambry Variant Classification Scheme 2023. Collection method: clinical testing. Allele origin: germline.

GeneDx
Classification: Benign. Last evaluated: 2018-06-25. Review status: criteria provided, single submitter. Criteria: GeneDx Variant Classification Process June 2021. Collection method: clinical testing. Allele origin: germline. Affected: yes.
Comment: This variant is associated with the following publications: (PMID: 25224718)

Genetic Services Laboratory, University of Chicago
Classification: Likely benign. Last evaluated: 2015-04-28. Review status: criteria provided, single submitter. Criteria: ACMG Guidelines, 2015. Collection method: clinical testing. Allele origin: germline.

Breakthrough Genomics
Classification: Likely benign. Review status: criteria provided, single submitter. Criteria: ACMG Guidelines, 2015. Collection method: not provided. Allele origin: germline. Inheritance: Autosomal dominant inheritance. Affected: yes.

PreventionGenetics, part of Exact Sciences
Classification: Benign for SPTAN1-related condition. Last evaluated: 2019-05-01. Review status: no assertion criteria provided. Collection method: clinical testing. Allele origin: germline. Not counted in ClinVar's aggregate classification.
Comment: This variant is classified as benign based on ACMG/AMP sequence variant interpretation guidelines (Richards et al. 2015 PMID: 25741868, with internal and published modifications).

Department of Pathology and Laboratory Medicine, Sinai Health System
Classification: Uncertain significance. Review status: no assertion criteria provided. Collection method: clinical testing. Allele origin: unknown. Affected: yes. Study: The Canadian Open Genetics Repository (COGR). Not counted in ClinVar's aggregate classification.

Diagnostic Laboratory, Department of Genetics, University Medical Center Groningen
Classification: Likely benign. Review status: no assertion criteria provided. Collection method: clinical testing. Allele origin: germline. Affected: yes. Study: VKGL Data-share Consensus. Not counted in ClinVar's aggregate classification.

Genome Diagnostics Laboratory, University Medical Center Utrecht
Classification: Likely benign. Review status: no assertion criteria provided. Collection method: clinical testing. Allele origin: germline. Affected: yes. Study: VKGL Data-share Consensus. Not counted in ClinVar's aggregate classification.

Bioinformatics Core, Luxembourg Center for Systems Biomedicine
Classification: Pathogenic for Self-limited epilepsy with centrotemporal spikes. Last evaluated: 2017-01-01. Review status: flagged submission. Collection method: case-control. Allele origin: germline. Affected: yes. Study: EUROEPINOMICS COGIE. Not counted in ClinVar's aggregate classification.
Comment: CAADphred>15
ClinVar note: Reason: Claim with insufficient supporting evidence

Literature cited by the submitters: PubMed 25224718 (cited by Ambry Genetics); PubMed 29358611 (cited by Bioinformatics Core, Luxembourg Center for Systems Biomedicine).